The following is an entry in ClinVar:

NM_001040716.2(PC):c.784G>A (p.Glu262Lys)

Gene: PC (pyruvate carboxylase; minus strand). Cytogenetic location: 11q13.2.
Variant type: single nucleotide variant.
Coding change: c.784G>A on transcript NM_001040716.2 (MANE Select); coding-DNA position 784, G replaced by A.
Protein change: p.Glu262Lys; replaces glutamic acid 262 with lysine.
Molecular consequence: missense variant.
Genome position (GRCh38, 1-based): chr11:66,870,421, C>T on the plus strand (G>A on the coding strand, the complement: PC is on the minus strand). VCF-style: chr11-66870421-C-T. GRCh37 (hg19) VCF-style: chr11-66637892-C-T.
Other names: c.784G>A, p.Glu262Lys (NM_000920.4, NM_022172.3); c.784G>A (NM_000920.3); short protein forms E262K.
Identifiers: ClinVar variation 1376371 (VCV001376371.8), dbSNP rs1324553572, ClinGen allele CA381501497.

ClinVar aggregate classification (germline): Conflicting classifications of pathogenicity. Review status: criteria provided, conflicting classifications (1 of 4 stars). 2 submissions from 2 submitters: Likely pathogenic (1); Uncertain significance (1). Last evaluated 2025-04-22.

Conditions:
Pyruvate carboxylase deficiency. Also called: PC DEFICIENCY; ATAXIA WITH LACTIC ACIDOSIS II; Pyruvate Carboxylase Deficiency Disease; LEIGH NECROTIZING ENCEPHALOPATHY DUE TO PYRUVATE CARBOXYLASE DEFICIENCY; LEIGH SYNDROME DUE TO PYRUVATE CARBOXYLASE DEFICIENCY. Identifiers: Orphanet 3008, MedGen C0034341, MONDO:0009949, OMIM 266150.

Allele frequency attached by ClinVar (database versions not stated): TOPMed below 0.00001; gnomAD 0.00001; gnomAD exomes 0.00001.
gnomAD v4.1: 13 of 1,613,568 alleles (0.00081%); highest among the groups gnomAD compares: East Asian, 0.0022%; no homozygotes.

Submissions (2):

GeneDx
Classification: Likely pathogenic. Last evaluated: 2025-04-22. Review status: criteria provided, single submitter. Criteria: GeneDx Variant Classification Process June 2021. Collection method: clinical testing. Allele origin: germline. Affected: yes.
Comment: Reported previously in the homozygous state as a variant of uncertain significance in an individual with seizures (PMID: 31069529); In silico analysis supports that this missense variant has a deleterious effect on protein structure/function; Not observed at significant frequency in large population cohorts (gnomAD); This variant is associated with the following publications: (PMID: 37207470, 31069529)

Labcorp Genetics (formerly Invitae), Labcorp
Classification: Uncertain significance for Pyruvate carboxylase deficiency. Last evaluated: 2024-04-17. Review status: criteria provided, single submitter. Criteria: Invitae Variant Classification Sherloc (09022015). Collection method: clinical testing. Allele origin: germline.
Comment: This sequence change replaces glutamic acid, which is acidic and polar, with lysine, which is basic and polar, at codon 262 of the PC protein (p.Glu262Lys). This variant is not present in population databases (gnomAD no frequency). This missense change has been observed in individual(s) with epilepsy (PMID: 31069529). ClinVar contains an entry for this variant (Variation ID: 1376371). Advanced modeling of protein sequence and biophysical properties (such as structural, functional, and spatial information, amino acid conservation, physicochemical variation, residue mobility, and thermodynamic stability) has been performed at Invitae for this missense variant, however the output from this modeling did not meet the statistical confidence thresholds required to predict the impact of this variant on PC protein function. In summary, the available evidence is currently insufficient to determine the role of this variant in disease. Therefore, it has been classified as a Variant of Uncertain Significance.

Literature cited by the submitters: PubMed 31069529 (cited by Labcorp Genetics (formerly Invitae), Labcorp).